The following is an entry in ClinVar:

NC_000023.11:g.(?_85878965)_(85903741_?)del

Gene: CHM (CHM Rab escort protein; minus strand). Cytogenetic location: Xq21.2.
Variant type: Deletion.
Identifiers: ClinVar variation 833081 (VCV000833081.5).

ClinVar aggregate classification (germline): Pathogenic (1 of 4 stars; one submission).

Submission:

Labcorp Genetics (formerly Invitae), Labcorp
Classification: Pathogenic. Last evaluated: 2020-08-07. Review status: criteria provided, single submitter. Criteria: Invitae Variant Classification Sherloc (09022015). Collection method: clinical testing. Allele origin: germline.
Comment: This variant is an out-of-frame deletion of the genomic region encompassing 10-13 of the CHM gene. This is expected to create a premature translational stop signal and result in an absent or disrupted protein product. This variant has not been reported in the literature in individuals with CHM-related conditions. For these reasons, this variant has been classified as Pathogenic. Loss-of-function variants in CHM are known to be pathogenic (PMID: 9067750, 23811034).

Literature cited by the submitters: PubMed 9067750; PubMed 23811034.